The following is an entry in ClinVar:

NM_000059.4(BRCA2):c.8581A>T (p.Arg2861Ter)

Gene: BRCA2 (BRCA2 DNA repair associated; plus strand). Cytogenetic location: 13q13.1.
Variant type: single nucleotide variant.
Coding change: c.8581A>T on transcript NM_000059.4 (MANE Select); coding-DNA position 8581, A replaced by T.
Protein change: p.Arg2861Ter; replaces arginine 2861 with a stop codon.
Molecular consequence: nonsense.
Genome position (GRCh38, 1-based): chr13:32,371,049, A>T. VCF-style: chr13-32371049-A-T. GRCh37 (hg19) VCF-style: chr13-32945186-A-T.
Other names: 8809A>T; short protein forms R2861*.
Identifiers: ClinVar variation 91515 (VCV000091515.28), dbSNP rs398122608, ClinGen allele CA025722.
Genomic context (GRCh38, chr13:32,371,049, plus strand): 5'-TTTCGCAATGAAAGAGAGGAAGAAAAGGAAGCAGCAAAATATGTGGAGGCCCAACAAAAG[A>T]GACTAGAAGCCTTATTCACTAAAATTCAGGAGGAATTTGAAGAACATGAAGGTAAAATTA-3'

ClinVar aggregate classification (germline): Pathogenic. Review status: reviewed by expert panel (3 of 4 stars). 13 submissions from 13 submitters: Pathogenic (1). 12 of the submissions do not count toward it. Last evaluated 2016-09-08.

Conditions:
Hereditary breast ovarian cancer syndrome. Also called: Breast and ovarian cancer; Hereditary breast and ovarian cancer; Hereditary breast and ovarian cancer syndrome; BRCA1- and BRCA2-Associated Hereditary Breast and Ovarian Cancer; Hereditary breast and ovarian cancer syndrome (HBOC); Hereditary breast and/or ovarian cancer syndrome. Identifiers: Orphanet 145, MedGen C0677776, MeSH D061325, MONDO:0003582. Disease mechanism: loss of function.
Familial colorectal cancer type X. Identifiers: Orphanet 440437, MedGen C3896578, MONDO:0018604.
Familial cancer of breast. Also called: BREAST CANCER, FAMILIAL; hereditary breast carcinoma; Hereditary breast cancer. Identifiers: Orphanet 227535, MedGen C0346153, MONDO:0016419, OMIM 114480. Disease mechanism: loss of function.
Hereditary cancer-predisposing syndrome. Also called: Tumor predisposition; Hereditary Cancer Syndrome; Neoplastic Syndromes, Hereditary; Hereditary neoplastic syndrome. Identifiers: Orphanet 140162, MedGen C0027672, MeSH D009386, MONDO:0015356.
Breast-ovarian cancer, familial, susceptibility to, 2 (BROVCA2). Also called: BRCA2 Hereditary Breast and Ovarian Cancer. Identifiers: Orphanet 145, MedGen C2675520, MONDO:0012933, OMIM 612555. Disease mechanism: loss of function.

Submissions (13):

Evidence-based Network for the Interpretation of Germline Mutant Alleles (ENIGMA)
Classification: Pathogenic for Breast-ovarian cancer, familial, susceptibility to, 2. Last evaluated: 2016-09-08. Review status: reviewed by expert panel. Criteria: ENIGMA BRCA1/2 Classification Criteria (2015). Collection method: curation. Allele origin: germline.
Comment: Variant allele predicted to encode a truncated non-functional protein.

Labcorp Genetics (formerly Invitae), Labcorp
Classification: Pathogenic for Hereditary breast ovarian cancer syndrome. Last evaluated: 2025-07-28. Review status: criteria provided, single submitter. Criteria: Invitae Variant Classification Sherloc (09022015). Collection method: clinical testing. Allele origin: germline. Not counted in ClinVar's aggregate classification.
Comment: This sequence change creates a premature translational stop signal (p.Arg2861*) in the BRCA2 gene. It is expected to result in an absent or disrupted protein product. Loss-of-function variants in BRCA2 are known to be pathogenic (PMID: 20104584). This variant is not present in population databases (gnomAD no frequency). This premature translational stop signal has been observed in individual(s) with BRCA2-related conditions (PMID: 21520333). ClinVar contains an entry for this variant (Variation ID: 91515). For these reasons, this variant has been classified as Pathogenic.

Molecular Pathology, Peter Maccallum Cancer Centre
Classification: Pathogenic for Breast-ovarian cancer, familial, susceptibility to, 2. Last evaluated: 2025-01-07. Review status: criteria provided, single submitter. Criteria: ACMG Guidelines, 2015. Collection method: clinical testing. Allele origin: germline. Inheritance: Autosomal dominant inheritance. Not counted in ClinVar's aggregate classification.

Color Diagnostics, LLC DBA Color Health
Classification: Pathogenic for Hereditary cancer-predisposing syndrome. Last evaluated: 2023-10-09. Review status: criteria provided, single submitter. Criteria: ACMG Guidelines, 2015. Collection method: clinical testing. Allele origin: germline. Not counted in ClinVar's aggregate classification.
Comment: This variant changes 1 nucleotide in exon 20 of the BRCA2 gene, creating a premature translation stop signal. This variant is expected to result in an absent or non-functional protein product. This variant has been reported in an individual affected with ovarian cancer (PMID: 28888541). This variant has not been identified in the general population by the Genome Aggregation Database (gnomAD). Loss of BRCA2 function is a known mechanism of disease. Based on the available evidence, this variant is classified as Pathogenic.

Institute for Genomic Medicine (IGM) Clinical Laboratory, Nationwide Children's Hospital
Classification: Pathogenic for Hereditary cancer-predisposing syndrome. Last evaluated: 2023-09-07. Review status: criteria provided, single submitter. Criteria: ACMG Guidelines, 2015. Collection method: clinical testing. Allele origin: germline. Not counted in ClinVar's aggregate classification.
Comment: This variant is predicted to result in loss of function through nonsense-mediated decay of the encoded transcript or premature truncation of the encoded protein in a gene in which loss of function is a known mechanism of disease (ACMG/AMP: PVS1; PMID:20104584). This variant has been reported at an elevated frequency in affected individuals/in multiple affected individuals in the literature (ACMG/AMP: PS4; PMIDs:12920083, 20104584, 21520333, 25342642, 24549055, 15131399, 16912212, 28888541). This variant is absent from or present at an exceedingly low frequency in gnomAD, a large-scale control population database (ACMG/AMP: PM2).

Baylor Genetics
Classification: Pathogenic for Familial cancer of breast. Last evaluated: 2023-06-02. Review status: criteria provided, single submitter. Criteria: ACMG Guidelines, 2015. Collection method: clinical testing. Allele origin: unknown. Not counted in ClinVar's aggregate classification.

Ambry Genetics
Classification: Pathogenic for Hereditary cancer-predisposing syndrome. Last evaluated: 2023-03-01. Review status: criteria provided, single submitter. Criteria: Ambry Variant Classification Scheme 2023. Collection method: clinical testing. Allele origin: germline. Not counted in ClinVar's aggregate classification.
Comment: The p.R2861* pathogenic mutation (also known as c.8581A>T), located in coding exon 19 of the BRCA2 gene, results from an A to T substitution at nucleotide position 8581. This changes the amino acid from an arginine to a stop codon within coding exon 19. This variant is considered to be rare based on population cohorts in the Genome Aggregation Database (gnomAD). This alteration is expected to result in loss of function by premature protein truncation or nonsense-mediated mRNA decay. As such, this alteration is interpreted as a disease-causing mutation.

Women's Health and Genetics/Laboratory Corporation of America, LabCorp
Classification: Pathogenic for Hereditary breast ovarian cancer syndrome. Last evaluated: 2023-02-27. Review status: criteria provided, single submitter. Criteria: LabCorp Variant Classification Summary - May 2015. Collection method: clinical testing. Allele origin: germline. Not counted in ClinVar's aggregate classification.
Comment: Variant summary: BRCA2 c.8581A>T (p.Arg2861X) results in a premature termination codon, predicted to cause a truncation of the encoded protein or absence of the protein due to nonsense mediated decay, which are commonly known mechanisms for disease. Truncations downstream of this position have been classified as pathogenic by our laboratory. The variant was absent in 251220 control chromosomes. c.8581A>T has been reported in the literature in at least one individual affected with Ovarian Cancer (Lilyquist_2017). To our knowledge, no experimental evidence demonstrating an impact on protein function has been reported. Six submitters, including an expert panel (ENIGMA), have provided clinical-significance assessments for this variant to ClinVar after 2014, and all laboratories classified the variant as pathogenic. Based on the evidence outlined above, the variant was classified as pathogenic.

Department of Pathology and Laboratory Medicine, Sinai Health System
Classification: Pathogenic for Familial colorectal cancer type X. Last evaluated: 2022-12-21. Review status: criteria provided, single submitter. Criteria: ACMG Guidelines, 2015. Collection method: clinical testing. Allele origin: germline. Affected: yes. Not counted in ClinVar's aggregate classification.

ARUP Laboratories, Molecular Genetics and Genomics, ARUP Laboratories
Classification: Pathogenic. Last evaluated: 2020-11-27. Review status: criteria provided, single submitter. Criteria: ARUP Molecular Germline Variant Investigation Process 2021. Collection method: clinical testing. Allele origin: germline. Not counted in ClinVar's aggregate classification.
Comment: The BRCA2 c.8581A>T; p.Arg2861Ter variant (rs398122608) is reported as pathogenic by several sources in the ClinVar database (Variation ID: 91515) and is reported in the literature in an individual undergoing genetic testing (LaDuca 2017). This variant is also absent from general population databases (Exome Variant Server, Genome Aggregation Database), indicating it is not a common polymorphism. This variant induces an early termination codon and is predicted to result in a truncated protein or mRNA subject to nonsense-mediated decay. Based on available information, this variant is considered to be pathogenic. References: LaDuca H et al. Exome sequencing covers >98% of mutations identified on targeted next generation sequencing panels. PLoS One. 2017 Feb 2;12(2):e0170843.

GeneDx
Classification: Pathogenic. Last evaluated: 2018-09-18. Review status: criteria provided, single submitter. Criteria: GeneDx Variant Classification (06012015). Collection method: clinical testing. Allele origin: germline. Affected: yes. Not counted in ClinVar's aggregate classification.
Comment: This variant is denoted BRCA2 c.8581A>T at the cDNA level and p.Arg2861Ter (R2861X) at the protein level. The substitution creates a nonsense variant, which changes an Arginine to a premature stop codon (AGA>TGA), and is predicted to cause loss of normal protein function through either protein truncation or nonsense-mediated mRNA decay. This variant has been reported in at least one individual referred for hereditary cancer testing (LaDuca 2017), and is considered pathogenic.

Quest Diagnostics Nichols Institute San Juan Capistrano
Classification: Pathogenic for Breast-ovarian cancer, familial, susceptibility to, 2. Last evaluated: 2015-05-29. Review status: criteria provided, single submitter. Criteria: Quest Diagnostics criteria. Collection method: clinical testing. Allele origin: germline. Inheritance: Autosomal dominant inheritance. Not counted in ClinVar's aggregate classification.

Sharing Clinical Reports Project (SCRP)
Classification: Pathogenic for Breast-ovarian cancer, familial 2. Last evaluated: 2012-03-02. Review status: no assertion criteria provided. Collection method: clinical testing. Allele origin: germline. Not counted in ClinVar's aggregate classification.

Literature cited by the submitters: PubMed 20104584 (cited by Labcorp Genetics (formerly Invitae), Labcorp and Institute for Genomic Medicine (IGM) Clinical Laboratory, Nationwide Children's Hospital); PubMed 21520333 (cited by Labcorp Genetics (formerly Invitae), Labcorp and Institute for Genomic Medicine (IGM) Clinical Laboratory, Nationwide Children's Hospital); PubMed 28888541 (cited by 3 submitters); PubMed 12920083 (cited by Institute for Genomic Medicine (IGM) Clinical Laboratory, Nationwide Children's Hospital); PubMed 25342642 (cited by Institute for Genomic Medicine (IGM) Clinical Laboratory, Nationwide Children's Hospital); PubMed 24549055 (cited by Institute for Genomic Medicine (IGM) Clinical Laboratory, Nationwide Children's Hospital); PubMed 15131399 (cited by Institute for Genomic Medicine (IGM) Clinical Laboratory, Nationwide Children's Hospital); PubMed 16912212 (cited by Institute for Genomic Medicine (IGM) Clinical Laboratory, Nationwide Children's Hospital); PubMed 28152038 (cited by Women's Health and Genetics/Laboratory Corporation of America, LabCorp); PubMed 26295337 (cited by Quest Diagnostics Nichols Institute San Juan Capistrano).